The following is an entry in ClinVar:

NM_000091.5(COL4A3):c.4651T>C (p.Cys1551Arg)

Genes: COL4A3 (collagen type IV alpha 3 chain; plus strand), MFF-DT (MFF divergent transcript; minus strand). Cytogenetic location: 2q36.3.
Variant type: single nucleotide variant.
Coding change: c.4651T>C on transcript NM_000091.5 (MANE Select); coding-DNA position 4651, T replaced by C.
Protein change: p.Cys1551Arg; replaces cysteine 1551 with arginine.
Molecular consequence: missense variant.
Genome position (GRCh38, 1-based): chr2:227,309,214, T>C. VCF-style: chr2-227309214-T-C. GRCh37 (hg19) VCF-style: chr2-228173930-T-C.
Other names: short protein forms C1551R.
Identifiers: ClinVar variation 3713450 (VCV003713450.2).

ClinVar aggregate classification (germline): Uncertain significance (1 of 4 stars; one submission).

gnomAD v4.1: 11 of 1,614,208 alleles (0.00068%); highest among the groups gnomAD compares: Non-Finnish European, 0.00093%; no homozygotes.

Submission:

Labcorp Genetics (formerly Invitae), Labcorp
Classification: Uncertain significance. Last evaluated: 2024-09-11. Review status: criteria provided, single submitter. Criteria: Invitae Variant Classification Sherloc (09022015). Collection method: clinical testing. Allele origin: germline.
Comment: This sequence change replaces cysteine, which is neutral and slightly polar, with arginine, which is basic and polar, at codon 1551 of the COL4A3 protein (p.Cys1551Arg). This variant is present in population databases (rs768624338, gnomAD 0.0009%). This variant has not been reported in the literature in individuals affected with COL4A3-related conditions. Invitae Evidence Modeling of protein sequence and biophysical properties (such as structural, functional, and spatial information, amino acid conservation, physicochemical variation, residue mobility, and thermodynamic stability) indicates that this missense variant is expected to disrupt COL4A3 protein function with a positive predictive value of 95%. In summary, the available evidence is currently insufficient to determine the role of this variant in disease. Therefore, it has been classified as a Variant of Uncertain Significance.